The following is an entry in ClinVar:

ClinVar aggregate classification (germline): Uncertain significance (1 of 4 stars; one submission).

Conditions:
Aortic valve disease 2 (AOVD2). Identifiers: MedGen C3542024, MONDO:0013902, OMIM 614823.

Submission:

Labcorp Genetics (formerly Invitae), Labcorp
Classification: Uncertain significance for Aortic valve disease 2. Last evaluated: 2024-06-17. Review status: criteria provided, single submitter. Criteria: Invitae Variant Classification Sherloc (09022015). Collection method: clinical testing. Allele origin: germline.
Comment: This sequence change replaces valine, which is neutral and non-polar, with methionine, which is neutral and non-polar, at codon 89 of the TBX5 protein (p.Val89Met). This variant is not present in population databases (gnomAD no frequency). This variant has not been reported in the literature in individuals affected with TBX5-related conditions. Advanced modeling of protein sequence and biophysical properties (such as structural, functional, and spatial information, amino acid conservation, physicochemical variation, residue mobility, and thermodynamic stability) performed at Invitae indicates that this missense variant is not expected to disrupt TBX5 protein function with a negative predictive value of 80%. In summary, the available evidence is currently insufficient to determine the role of this variant in disease. Therefore, it has been classified as a Variant of Uncertain Significance.

NM_181486.4(TBX5):c.265G>A (p.Val89Met)

Gene: TBX5 (T-box transcription factor 5; minus strand). Cytogenetic location: 12q24.21.
Variant type: single nucleotide variant.
Coding change: c.265G>A on transcript NM_181486.4 (MANE Select); coding-DNA position 265, G replaced by A.
Protein change: p.Val89Met; replaces valine 89 with methionine.
Molecular consequence: missense variant.
Genome position (GRCh38, 1-based): chr12:114,399,610, C>T on the plus strand (G>A on the coding strand, the complement: TBX5 is on the minus strand). VCF-style: chr12-114399610-C-T. GRCh37 (hg19) VCF-style: chr12-114837415-C-T.
Other names: c.265G>A, p.Val89Met (NM_000192.3); c.115G>A, p.Val39Met (NM_080717.4); short protein forms V39M, V89M.
Identifiers: ClinVar variation 3704798 (VCV003704798.2).